The following is an entry in ClinVar:

ClinVar aggregate classification (germline): Uncertain significance. Review status: criteria provided, multiple submitters, no conflicts (2 of 4 stars). 3 submissions from 3 submitters: Uncertain significance (3). Last evaluated 2025-12-10.

Conditions:
Hereditary cancer-predisposing syndrome. Also called: Neoplastic Syndromes, Hereditary; Hereditary Cancer Syndrome; Tumor predisposition; Hereditary neoplastic syndrome. Identifiers: Orphanet 140162, MedGen C0027672, MeSH D009386, MONDO:0015356.
Ataxia-telangiectasia syndrome (AT). Also called: LOUIS-BAR SYNDROME; Cerebello-oculocutaneous telangiectasia; Immunodeficiency with ataxia telangiectasia; Ataxia-telangiectasia, complementation group D; AT, COMPLEMENTATION GROUP C; Ataxia-telangiectasia, complementation group E. Identifiers: Orphanet 100, MedGen C0004135, MONDO:0008840, OMIM 208900.

Allele frequency attached by ClinVar (database versions not stated): TOPMed 0.00002.
gnomAD v4.1: 2 of 1,590,628 alleles (0.00013%); highest among the groups gnomAD compares: Admixed American, 0.0033%; no homozygotes.

Submissions (3):

Labcorp Genetics (formerly Invitae), Labcorp
Classification: Uncertain significance for Ataxia-telangiectasia syndrome. Last evaluated: 2025-12-10. Review status: criteria provided, single submitter. Criteria: Invitae Variant Classification Sherloc (09022015). Collection method: clinical testing. Allele origin: germline.
Comment: This sequence change replaces lysine, which is basic and polar, with arginine, which is basic and polar, at codon 1992 of the ATM protein (p.Lys1992Arg). This variant is present in population databases (no rsID available, gnomAD 0.006%). This variant has not been reported in the literature in individuals affected with ATM-related conditions. ClinVar contains an entry for this variant (Variation ID: 482672). Invitae Evidence Modeling of protein sequence and biophysical properties (such as structural, functional, and spatial information, amino acid conservation, physicochemical variation, residue mobility, and thermodynamic stability) indicates that this missense variant is not expected to disrupt ATM protein function with a negative predictive value of 95%. In summary, the available evidence is currently insufficient to determine the role of this variant in disease. Therefore, it has been classified as a Variant of Uncertain Significance.

Ambry Genetics
Classification: Uncertain significance for Hereditary cancer-predisposing syndrome. Last evaluated: 2023-09-27. Review status: criteria provided, single submitter. Criteria: Ambry Variant Classification Scheme 2023. Collection method: clinical testing. Allele origin: germline.
Comment: The p.K1992R variant (also known as c.5975A>G), located in coding exon 39 of the ATM gene, results from an A to G substitution at nucleotide position 5975. The lysine at codon 1992 is replaced by arginine, an amino acid with highly similar properties. This amino acid position is highly conserved in available vertebrate species. In addition, this alteration is predicted to be tolerated by in silico analysis. Since supporting evidence is limited at this time, the clinical significance of this alteration remains unclear.

Color Diagnostics, LLC DBA Color Health
Classification: Uncertain significance for Hereditary cancer-predisposing syndrome. Last evaluated: 2019-04-09. Review status: criteria provided, single submitter. Criteria: ACMG Guidelines, 2015. Collection method: clinical testing. Allele origin: germline.

NM_000051.4(ATM):c.5975A>G (p.Lys1992Arg)

Genes: ATM (ATM serine/threonine kinase; plus strand), C11orf65 (chromosome 11 open reading frame 65; minus strand). Cytogenetic location: 11q22.3.
Variant type: single nucleotide variant.
Coding change: c.5975A>G on transcript NM_000051.4 (MANE Select); coding-DNA position 5975, A replaced by G.
Protein change: p.Lys1992Arg; replaces lysine 1992 with arginine.
Molecular consequence: missense variant. On other transcripts: intron variant (2).
Genome position (GRCh38, 1-based): chr11:108,312,467, A>G. VCF-style: chr11-108312467-A-G. GRCh37 (hg19) VCF-style: chr11-108183194-A-G.
Other names: c.5975A>G, p.Lys1992Arg (NM_001351834.2); c.641-3396T>C (NM_001330368.2); c.*39-3396T>C (NM_001351110.2); short protein forms K1992R.
Identifiers: ClinVar variation 482672 (VCV000482672.15), dbSNP rs150757822, ClinGen allele CA382548744.